The following is an entry in ClinVar:

ClinVar aggregate classification (germline): Uncertain significance. Review status: criteria provided, multiple submitters, no conflicts (2 of 4 stars). 2 submissions from 2 submitters: Uncertain significance (2). Last evaluated 2024-12-31.

Conditions:
RASopathy. Also called: rasopathies; Noonan spectrum disorder. Identifiers: Orphanet 536391, MedGen C5555857, MONDO:0021060.
Cardiovascular phenotype. Identifiers: MedGen CN230736.

gnomAD v4.1: 5 of 1,613,248 alleles (0.00031%); highest among the groups gnomAD compares: Non-Finnish European, 0.00042%; no homozygotes.

Submissions (2):

Labcorp Genetics (formerly Invitae), Labcorp
Classification: Uncertain significance for RASopathy. Last evaluated: 2024-12-31. Review status: criteria provided, single submitter. Criteria: Invitae Variant Classification Sherloc (09022015). Collection method: clinical testing. Allele origin: germline.
Comment: This sequence change replaces methionine, which is neutral and non-polar, with valine, which is neutral and non-polar, at codon 58 of the SOS1 protein (p.Met58Val). This variant is not present in population databases (gnomAD no frequency). This variant has not been reported in the literature in individuals affected with SOS1-related conditions. ClinVar contains an entry for this variant (Variation ID: 1400425). Invitae Evidence Modeling of protein sequence and biophysical properties (such as structural, functional, and spatial information, amino acid conservation, physicochemical variation, residue mobility, and thermodynamic stability) has been performed for this missense variant. However, the output from this modeling did not meet the statistical confidence thresholds required to predict the impact of this variant on SOS1 protein function. In summary, the available evidence is currently insufficient to determine the role of this variant in disease. Therefore, it has been classified as a Variant of Uncertain Significance.

Ambry Genetics
Classification: Uncertain significance for Cardiovascular phenotype. Last evaluated: 2024-12-20. Review status: criteria provided, single submitter. Criteria: Ambry Variant Classification Scheme 2023. Collection method: clinical testing. Allele origin: germline.
Comment: The p.M58V variant (also known as c.172A>G), located in coding exon 2 of the SOS1 gene, results from an A to G substitution at nucleotide position 172. The methionine at codon 58 is replaced by valine, an amino acid with highly similar properties. This amino acid position is conserved. In addition, this alteration is predicted to be deleterious by in silico analysis. Based on the available evidence, the clinical significance of this variant remains unclear.

NM_005633.4(SOS1):c.172A>G (p.Met58Val)

Gene: SOS1 (SOS Ras/Rac guanine nucleotide exchange factor 1; minus strand). Cytogenetic location: 2p22.1.
Variant type: single nucleotide variant.
Coding change: c.172A>G on transcript NM_005633.4 (MANE Select); coding-DNA position 172, A replaced by G.
Protein change: p.Met58Val; replaces methionine 58 with valine.
Molecular consequence: missense variant.
Genome position (GRCh38, 1-based): chr2:39,067,669, T>C on the plus strand (A>G on the coding strand, the complement: SOS1 is on the minus strand). VCF-style: chr2-39067669-T-C. GRCh37 (hg19) VCF-style: chr2-39294810-T-C.
Other names: c.172A>G (NM_005633.3); c.151A>G, p.Met51Val (NM_001382394.1); c.172A>G, p.Met58Val (NM_001382395.1); short protein forms M51V, M58V.
Identifiers: ClinVar variation 1400425 (VCV001400425.7), dbSNP rs2148140531, ClinGen allele CA346374180.